The following is an entry in ClinVar:

NM_002878.4(RAD51D):c.82+4A>T

Genes: RAD51D (RAD51 paralog D; minus strand), RAD51L3-RFFL (RAD51L3-RFFL readthrough; minus strand). Cytogenetic location: 17q12.
Variant type: single nucleotide variant.
Coding change: c.82+4A>T on transcript NM_002878.4 (MANE Select); 4 bases into the intron after coding-DNA position 82, A replaced by T.
Molecular consequence: intron variant.
Genome position (GRCh38, 1-based): chr17:35,119,528, T>A on the plus strand (A>T on the coding strand, the complement: RAD51D is on the minus strand). VCF-style: chr17-35119528-T-A. GRCh37 (hg19) VCF-style: chr17-33446547-T-A.
Other names: c.82+4A>T (NM_133629.3, NM_001142571.2).
Identifiers: ClinVar variation 3312406 (VCV003312406.2).

ClinVar aggregate classification (germline): Likely pathogenic (1 of 4 stars; one submission).

Conditions:
Hereditary cancer-predisposing syndrome. Also called: Hereditary neoplastic syndrome; Tumor predisposition; Neoplastic Syndromes, Hereditary; Hereditary Cancer Syndrome. Identifiers: Orphanet 140162, MedGen C0027672, MeSH D009386, MONDO:0015356.

Submission:

Ambry Genetics
Classification: Likely pathogenic for Hereditary cancer-predisposing syndrome. Last evaluated: 2026-02-16. Review status: criteria provided, single submitter. Criteria: Ambry Variant Classification Scheme 2023. Collection method: clinical testing. Allele origin: germline.
Comment: The c.82+4A>T intronic variant results from an A to T substitution 4 nucleotides after coding exon 1 in the RAD51D gene. This nucleotide position is highly conserved in available vertebrate species. This variant is considered to be rare based on population cohorts in the Genome Aggregation Database (gnomAD). In silico splice site analysis predicts that this alteration may weaken the native splice donor site; however, direct evidence is insufficient at this time (Ambry internal data). RNA studies have demonstrated that this variant results in abnormal splicing in the set of samples tested (Ambry internal data). Based on the majority of available evidence to date, this variant is likely to be pathogenic.